The following is an entry in ClinVar:

NM_007294.4(BRCA1):c.187T>C (p.Leu63=)

Gene: BRCA1 (BRCA1 DNA repair associated; minus strand). Cytogenetic location: 17q21.31.
Variant type: single nucleotide variant.
Coding change: c.187T>C on transcript NM_007294.4 (MANE Select); coding-DNA position 187, T replaced by C.
Protein change: p.Leu63=; no amino-acid change (leucine 63 retained).
Molecular consequence: synonymous variant. On other transcripts: 5 prime UTR variant (61), intron variant (34).
Genome position (GRCh38, 1-based): chr17:43,106,481, A>G on the plus strand (T>C on the coding strand, the complement: BRCA1 is on the minus strand). VCF-style: chr17-43106481-A-G. GRCh37 (hg19) VCF-style: chr17-41258498-A-G.
Other names: c.46T>C, p.Leu16= (NM_001408463.1, NM_001408464.1, NM_001408465.1 and 99 more transcripts); c.187T>C, p.Leu63= (NM_001408472.1, NM_001408473.1, NM_001407854.1 and 168 more transcripts); c.-2T>C (NM_001408478.1, NM_001408479.1, NM_001408480.1 and 58 more transcripts); c.-218-11621T>C (NM_001407967.1, NM_001407966.1); c.-169-1525T>C (NM_001407959.1, NM_001407962.1, NM_001408512.1 and 4 more transcripts); c.81-1525T>C (NM_001408451.1); c.135-1525T>C (NM_001408475.1, NM_001407875.1, NM_001407659.1 and 21 more transcripts).
Identifiers: ClinVar variation 865238 (VCV000865238.3), dbSNP rs2054778672, ClinGen allele CA500128122.
Genomic context (GRCh38, chr17:43,106,481, plus strand): 5'-TGCTTCCAACCTAGCATCATTACCAAATTATATACCTTTTGGTTATATCATTCTTACATA[A>G]AGGACACTGTGAAGGCCCTTTCTTCTGGTTGAGAAGTTTCAGCATGCAAAATCTATAAAT-3'
Protein context (NP_009225.1, residues 53-73): NQKKGPSQCP[Leu63=]CKNDITKRSL

Conditions:
Breast-ovarian cancer, familial, susceptibility to, 1 (BROVCA1). Also called: BRCA1 Hereditary Breast and Ovarian Cancer; OVARIAN CANCER, SUSCEPTIBILITY TO. Identifiers: Orphanet 145, MedGen C2676676, MONDO:0011450, OMIM 604370. Disease mechanism: loss of function.

Submission:

Brotman Baty Institute, University of Washington
No classification provided (evidence only). Condition: Breast-ovarian cancer, familial 1. Review status: no classification provided. Collection method: in vitro. Allele origin: not applicable. Functional consequence: functionally_normal.
ClinVar note: "not provided" was previously submitted as the classification for the variant. However, the classification appeared to be based only on an observation of functional data so it was converted to no classification on 2025-07-30.